The following is an entry in ClinVar:

ClinVar aggregate classification (germline): Likely pathogenic (0 of 4 stars; one submission).

Conditions:
Congenital secretory diarrhea, chloride type (DIAR1). Also called: DIARRHEA 1, SECRETORY CHLORIDE, CONGENITAL; CHLORIDORRHEA, CONGENITAL; CHLORIDE DIARRHEA, CONGENITAL, FINNISH TYPE. Identifiers: Orphanet 53689, MedGen C0267662, MONDO:0008964, OMIM 214700.

Submission:

Juha Muilu Group; Institute for Molecular Medicine Finland (FIMM)
Classification: Likely pathogenic for Congenital secretory diarrhea, chloride type. Review status: no assertion criteria provided. Collection method: not provided. Allele origin: unknown.
Comment: FinDis database variant: This variant was not found or characterized by our laboratory, data were collected from public sources: see reference
ClinVar note: Converted during submission from probable-pathogenic to Likely pathogenic.

NM_000111.3(SLC26A3):c.1624_1626delinsC (p.Ser542fs)

Gene: SLC26A3 (solute carrier family 26 member 3; minus strand). Cytogenetic location: 7q22.3.
Variant type: Indel.
Coding change: c.1624_1626delinsC on transcript NM_000111.3 (MANE Select); coding-DNA positions 1624 to 1626, TCT replaced by C.
Protein change: p.Ser542fs; shifts the reading frame from serine 542.
Molecular consequence: frameshift variant.
Genome position (GRCh38, 1-based): chr7:107,776,503-107,776,505, AGA replaced by G on the plus strand (TCT replaced by C on the coding strand, the reverse complement: SLC26A3 is on the minus strand). VCF-style: chr7-107776503-AGA-G. GRCh37 (hg19) VCF-style: chr7-107416948-AGA-G.
Other names: c.1624_1626delTCTinsC (NM_000111.2); short protein forms S542fs.
Identifiers: ClinVar variation 55984 (VCV000055984.2), dbSNP rs386833466, ClinGen allele CA144073.